The following continues an entry in ClinVar:

NM_174878.3(CLRN1):c.144T>G (p.Asn48Lys)

ClinVar aggregate classification (germline): Pathogenic. Pathogenic (20).

Submissions 13 to 24 of 24:

Ocular Genomics Institute, Massachusetts Eye and Ear
Classification: Pathogenic for Usher syndrome type 3A. Last evaluated: 2021-04-08. Review status: criteria provided, single submitter. Criteria: ACMG Guidelines, 2015. Collection method: research. Allele origin: germline. Affected: yes.
Comment: Through a review of available evidence we were able to apply the following criteria: PS3, PP1-S, PM2, PM3. Based on this evidence we have classified this variant as Pathogenic.

Broad Center for Mendelian Genomics, Broad Institute of MIT and Harvard
Classification: Pathogenic for Retinitis pigmentosa. Last evaluated: 2021-04-01. Review status: criteria provided, single submitter. Criteria: ACMG Guidelines, 2015. Collection method: curation. Allele origin: germline. Inheritance: Autosomal recessive inheritance. Affected: yes.
Comment: Through a review of available evidence we were able to apply the following criteria: PS3, PP1-S, PM2, PM3. Based on this evidence we have classified this variant as Pathogenic. If you have any questions about the classification please reach out to the Pierce Lab.

Myriad Genetics, Inc.
Classification: Pathogenic for Usher syndrome type 3A. Last evaluated: 2019-12-09. Review status: criteria provided, single submitter. Criteria: Myriad Women's Health Autosomal Recessive and X-Linked Classification Criteria (2019). Collection method: clinical testing. Allele origin: unknown.
Comment: NM_174878.2(CLRN1):c.144T>G(N48K) is classified as pathogenic in the context of Usher syndrome type 3. Sources cited for classification include the following: PMID 12080385, 12145752, 18281613, 19753315, 14569126 and12145752. Classification of NM_174878.2(CLRN1):c.144T>G(N48K) is based on the following criteria: This is a well-established pathogenic variant in the literature that has been observed more frequently in patients with clinical diagnoses than in healthy populations. Please note: this variant was assessed in the context of healthy population screening.

Centre for Genomic Medicine, Manchester, Central Manchester University Hospitals
Classification: Pathogenic for Usher syndrome type 3A. Last evaluated: 2019-02-01. Review status: criteria provided, single submitter. Criteria: ACMG Guidelines, 2015. Collection method: clinical testing. Allele origin: germline. Affected: yes. Observed: 1 variant allele, 1 homozygote.

ARUP Laboratories, Molecular Genetics and Genomics, ARUP Laboratories
Classification: Pathogenic. Last evaluated: 2018-11-07. Review status: criteria provided, single submitter. Criteria: ARUP Molecular Germline Variant Investigation Process. Collection method: clinical testing. Allele origin: germline.
Comment: The p.Asn48Lys variant (rs111033258; ClinVar variation ID: 4395) is a well-studied variant known to be causative of Usher syndrome, type 3A (USH3A, MIM: 276902); a disorder characterized by progressive hearing loss, retinitis pigmentosa, and variable peripheral vestibular dysfunction. This variant is thought to be an Ashkenazi Jewish (AJ) founder variant as is present in the AJ population at an estimated allele frequency of 0.35% (Ness 2003) through 0.53% (Genome Aggregation Database (gnomAD) browser). While often observed in homozygosity in AJ Usher patients, it has also been observed in heterozygosity with other pathogenic CLRN1 variants (Adato 2002, Fields 2002, Ness 2003, Herrera 2008. Isosomppi 2009). The asparagine at codon 48 had been experimentally demonstrated to be the sole site of glycosylation on the CLRN1 protein, which may explain the changes in protein localization and stability associated with p.Asn48Lys variant protein (Isosomppi 2000, Tian 2009, Geng 2012). Stable expression of p.Asn48Lys in a Zebrafish model also recapitulates the mis-location of variant protein (Gopal 2015). Finally, a mouse knock-in model of USH3A has demonstrated that mice homozygous for p.Asn48Lys have disrupted hair bundle organization and experience hearing loss by postnatal day 24 to a degree indistinguishable from homozygous CLRN1 knock out mice (Geng 2012). Taken together, we interpret the p.Asn48Lys variant as pathogenic.

Illumina Laboratory Services, Illumina
Classification: Pathogenic for Usher syndrome type 3A. Last evaluated: 2018-03-27. Review status: criteria provided, single submitter. Criteria: ICSL Variant Classification Criteria 09 May 2019. Collection method: clinical testing. Allele origin: germline.
Comment: The CLRN1 c.144T>G (p.Asn48Lys) variant is well described in the literature as a common pathogenic variant for Usher syndrome in the Ashkenazi Jewish population. Across four studies, the p.Asn48Lys variant was detected in a total of 38 individuals with Usher syndrome, including in 33 homozygotes, in two compound heterozygotes, and in three heterozygotes (Adato et al. 2002; Fields et al. 2002; Ness et al. 2003; Herrera et al. 2008). Haplotype analysis suggests a founder effect for this variant. The variant was detected in 4/1,059 control chromosomes and is reported at a frequency of 0.005381 in the Ashkenazi Jewish population of the Genome Aggregation Database. The p.Asp48Asn variant is conserved and disrupts the only N-glycosylation site in the protein. In vitro functional studies demonstrated that the variant results in misfolding, mislocalization and degradation of the protein, and an absence of the actin reorganizing function (Tian et al. 2009). Gopal et al. (2015) used transgenic zebrafish to show that the variant causes aberrant hair cell bundle morphology with diminished function. The variant protein mislocalizes to the cell body with only a small amount reaching the hair bundle. Based on the evidence, the p.Asp48Asn variant is classified as pathogenic for Usher syndrome. This variant was observed by ICSL as part of a predisposition screen in an ostensibly healthy population.

Women's Health and Genetics/Laboratory Corporation of America, LabCorp
Classification: Pathogenic for Usher syndrome type 3. Last evaluated: 2016-11-03. Review status: criteria provided, single submitter. Criteria: LabCorp Variant Classification Summary - May 2015. Collection method: clinical testing. Allele origin: germline.
Comment: Variant summary: The CLRN1 c.144T>G (p.Asn48Lys) variant involves the alteration of a non-conserved nucleotide. 4/4 in silico tools predict a damaging outcome for this variant (SNPs&GO not captured due to low reliability index). This variant was found in 25/121408 control chromosomes at a frequency of 0.0002059, which does not exceed the estimated maximal expected allele frequency of a pathogenic CLRN1 variant (0.0033541). This variant has been frequently reported in Jewish USH3 patients and was suggested to be a founder mutation in Ashkenazi Jews. In vitro and in vivo studies showed that this variant leads to mislocalization of CLRN1, disruption of the hair bundle integrity, and hearing loss phenotype (Geng_2012). In addition, one clinical diagnostic laboratory classified this variant as pathogenic. Taken together, this variant is classified as pathogenic.

Baylor Genetics
Classification: Pathogenic for Usher syndrome type 3A. Review status: criteria provided, single submitter. Criteria: ACMG Guidelines, 2015. Collection method: clinical testing. Allele origin: germline.

Sharon lab, Hadassah-Hebrew University Medical Center
Classification: Pathogenic for Usher syndrome type 3. Last evaluated: 2019-06-23. Review status: no assertion criteria provided. Collection method: research. Allele origin: inherited. Affected: yes. Not counted in ClinVar's aggregate classification.

NIHR Bioresource Rare Diseases, University of Cambridge
Classification: Likely pathogenic for Retinitis pigmentosa. Last evaluated: 2015-01-01. Review status: no assertion criteria provided. Collection method: research. Allele origin: unknown. Affected: yes. Observed: 1 variant allele. Not counted in ClinVar's aggregate classification.

OMIM
Classification: Pathogenic for USHER SYNDROME, TYPE IIIA. Last evaluated: 2003-10-01. Review status: no assertion criteria provided. Collection method: literature only. Allele origin: germline. Not counted in ClinVar's aggregate classification.

Department of Pathology and Laboratory Medicine, Sinai Health System
Classification: Pathogenic. Review status: no assertion criteria provided. Collection method: clinical testing. Allele origin: unknown. Affected: yes. Study: The Canadian Open Genetics Repository (COGR). Not counted in ClinVar's aggregate classification.
Comment: The CLRN1 p.Asn48Lys variant was identified in 60 of 162 proband chromosomes (frequency: 0.37) from individuals or families with Usher Syndrome type IIIa and retinitis pigmentosa (RP) and was only identified in 3 of 838 chromosomes (frequency: 0.004) from healthy controls (Herrera_2008_PMID:18281613; Sadeghi_2005_PMID:16028794; Ness_2003_PMID:14569126). The variant was also identified in dbSNP (ID: rs111033258), LOVD 3.0 and in ClinVar (classified as pathogenic for Usher syndrome type 3A by Laboratory for Molecular Medicine, Illumina, GeneDx, Counsyl, ARUP Laboratories, Integrated Genetics and OMIM, likely pathogenic by NIHR Bioresource Rare Diseases and a VUS for dominant RP by Illumina Clinical Services Laboratory). The variant was found in control databases in 68 of 251460 chromosomes (1 homozygous) at a frequency of 0.00027 (Genome Aggregation Database Feb 27, 2017). The variant was observed in the following populations: Ashkenazi Jewish in 58 of 10080 chromosomes (freq: 0.005754), Other in 1 of 6134 chromosomes (freq: 0.000163) and European (non-Finnish) in 9 of 113742 chromosomes (freq: 0.000079); it was not observed in the African, Latino, East Asian, European (Finnish) and South Asian populations. Functional studies demonstrated that N48K mutants lacked N-linked glycosylation which led to misfolding, mislocalization, and degradation of the CLRN1 protein (Tian_2009_PMID:19423712). Animal models of the N48K variant in zebrafish and mice have also shown impaired CLRN1 localization and abnormal cochlear hair bundle morphology and function (Gopal_2005_ PMID:26180195; Geng_2012_PMID:22782034; Isosomppi_2009_PMID:19753315). The variant occurs outside of the splicing consensus sequence however 3 of 4 in silico or computational prediction software programs (SpliceSiteFinder, MaxEntScan, NNSPLICE) predict the loss of a 3' splice site; however this is not a known splice site. The p.Asn48 residue is conserved across mammals and other organisms, and four out of five computational analyses (PolyPhen-2, SIFT, AlignGVGD, MutationTaster) suggest that the variant may impact the protein. In summary, based on the above information this variant meets our laboratoryâ€šÃ„Ã´s criteria to be classified as pathogenic.

Literature cited by the submitters: PubMed 12080385 (cited by 10 submitters); PubMed 14569126 (cited by 5 submitters); PubMed 18281613 (cited by 4 submitters); PubMed 22787034 (cited by 5 submitters); PubMed 26180195 (cited by 3 submitters); PubMed 19753315 (cited by Otogenetics and Myriad Genetics, Inc.); PubMed 22964989 (cited by Otogenetics); PubMed 28041643 (cited by Otogenetics and NIHR Bioresource Rare Diseases, University of Cambridge); PubMed 35481838 (cited by Otogenetics and Natera, Inc.); PubMed 39596563 (cited by Otogenetics); PubMed 12145752 (cited by 6 submitters); PubMed 22135276 (cited by Natera, Inc.); PubMed 27460420 (cited by Natera, Inc.); PubMed 34906470 (cited by Broad Center for Mendelian Genomics, Broad Institute of MIT and Harvard); PubMed 19423712 (cited by Illumina Laboratory Services, Illumina); PubMed 16028794 (cited by Women's Health and Genetics/Laboratory Corporation of America, LabCorp).